The following is an entry in ClinVar:

ClinVar aggregate classification (germline): Benign/Likely benign. Review status: criteria provided, multiple submitters, no conflicts (2 of 4 stars). 4 submissions from 4 submitters: Benign (2); Likely benign (1). 1 of the submissions does not count toward it. Last evaluated 2026-01-28.

Conditions:
Early-onset Lafora body disease. Also called: Epilepsy, progressive myoclonic, 10. Identifiers: Orphanet 324290, MedGen C4225258, MONDO:0014717, OMIM 616640.
PRDM8-related disorder. Also called: PRDM8-related condition.

Allele frequency attached by ClinVar (database versions not stated): gnomAD exomes 0.00048 and 0.00094; ExAC 0.00067; ESP Exome Variant Server 0.00333; gnomAD 0.00437 and 0.00461; TOPMed 0.00482; 1000 Genomes Project 30x 0.00859; 1000 Genomes Project 0.00899.
gnomAD v4.1: 1,341 of 1,532,508 alleles (0.088%); highest among the groups gnomAD compares: African/African-American, 1.5%; 8 homozygotes.

Submissions (4):

Labcorp Genetics (formerly Invitae), Labcorp
Classification: Benign for Early-onset Lafora body disease. Last evaluated: 2026-01-28. Review status: criteria provided, single submitter. Criteria: Invitae Variant Classification Sherloc (09022015). Collection method: clinical testing. Allele origin: germline.

Blueprint Genetics
Classification: Likely benign. Last evaluated: 2024-10-22. Review status: criteria provided, single submitter. Criteria: ACMG Guidelines, 2015. Collection method: clinical testing. Allele origin: germline.

Breakthrough Genomics
Classification: Benign. Review status: criteria provided, single submitter. Criteria: ACMG Guidelines, 2015. Collection method: not provided. Allele origin: germline. Inheritance: Autosomal recessive inheritance. Affected: yes.

PreventionGenetics, part of Exact Sciences
Classification: Benign for PRDM8-related condition. Last evaluated: 2019-11-12. Review status: no assertion criteria provided. Collection method: clinical testing. Allele origin: germline. Not counted in ClinVar's aggregate classification.
Comment: This variant is classified as benign based on ACMG/AMP sequence variant interpretation guidelines (Richards et al. 2015 PMID: 25741868, with internal and published modifications).

NM_001099403.2(PRDM8):c.1137C>A (p.Gly379=)

Gene: PRDM8 (PR/SET domain 8; plus strand). Cytogenetic location: 4q21.21.
Variant type: single nucleotide variant.
Coding change: c.1137C>A on transcript NM_001099403.2 (MANE Select); coding-DNA position 1137, C replaced by A.
Protein change: p.Gly379=; no amino-acid change (glycine 379 retained).
Molecular consequence: synonymous variant.
Genome position (GRCh38, 1-based): chr4:80,202,599, C>A. VCF-style: chr4-80202599-C-A. GRCh37 (hg19) VCF-style: chr4-81123753-C-A.
Other names: c.1137C>A, p.Gly379= (NM_020226.4).
Identifiers: ClinVar variation 475664 (VCV000475664.16), dbSNP rs144810863, ClinGen allele CA2982377.
Genomic context (GRCh38, chr4:80,202,599, plus strand): 5'-CAGCTACTTCGGCCTGGAAGAGAACGGCCGCCTCTTCGCGCCGCCAAGTCCCGAGACGGG[C>A]GAGGCGAAGCGCAGCGCCTTCGTGGAGGTGAAGAAGGCTGCCCGCGCGGCCAGCCTGCAG-3'
Protein context (NP_001092873.1, residues 369-389): RLFAPPSPET[Gly379=]EAKRSAFVEV